The following is an entry in ClinVar:

ClinVar aggregate classification (germline): Uncertain significance (1 of 4 stars; one submission).

Conditions:
Hereditary cancer-predisposing syndrome. Also called: Neoplastic Syndromes, Hereditary; Hereditary Cancer Syndrome; Tumor predisposition; Hereditary neoplastic syndrome. Identifiers: Orphanet 140162, MedGen C0027672, MeSH D009386, MONDO:0015356.

Allele frequency attached by ClinVar (database versions not stated): gnomAD exomes below 0.00001.
gnomAD v4.1: 1 of 1,614,120 alleles (0.000062%); highest among the groups gnomAD compares: East Asian, 0.0022%; no homozygotes.

Submission:

Ambry Genetics
Classification: Uncertain significance for Hereditary cancer-predisposing syndrome. Last evaluated: 2022-05-10. Review status: criteria provided, single submitter. Criteria: Ambry Variant Classification Scheme 2023. Collection method: clinical testing. Allele origin: germline.
Comment: The p.T2905P variant (also known as c.8713A>C), located in coding exon 59 of the ATM gene, results from an A to C substitution at nucleotide position 8713. The threonine at codon 2905 is replaced by proline, an amino acid with highly similar properties. This alteration was observed with an allele frequency of 0.0000 in 7,051 unselected female breast cancer patients and was observed with an allele frequency of 0.00009 in 11,241 female controls of Japanese ancestry. In addition, it was observed with an allele frequency of 0.0000 in 53 unselected male breast cancer patients and was observed with an allele frequency of 0.0001 in 12,490 male controls of Japanese ancestry (Momozawa Y et al. Nat Commun, 2018 10;9:4083).This amino acid position is highly conserved in available vertebrate species. In addition, this alteration is predicted to be deleterious by in silico analysis. Since supporting evidence is limited at this time, the clinical significance of this alteration remains unclear.

Literature cited by the submitters: PubMed 30287823.

NM_000051.4(ATM):c.8713A>C (p.Thr2905Pro)

Genes: C11orf65 (chromosome 11 open reading frame 65; minus strand), ATM (ATM serine/threonine kinase; plus strand). Cytogenetic location: 11q22.3.
Variant type: single nucleotide variant.
Coding change: c.8713A>C on transcript NM_000051.4 (MANE Select); coding-DNA position 8713, A replaced by C.
Protein change: p.Thr2905Pro; replaces threonine 2905 with proline.
Molecular consequence: missense variant. On other transcripts: intron variant (2).
Genome position (GRCh38, 1-based): chr11:108,353,807, A>C. VCF-style: chr11-108353807-A-C. GRCh37 (hg19) VCF-style: chr11-108224534-A-C.
Other names: c.8713A>C, p.Thr2905Pro (NM_001351834.2); c.640+32113T>G (NM_001330368.2); c.695-18515T>G (NM_001351110.2); short protein forms T2905P.
Identifiers: ClinVar variation 482714 (VCV000482714.7), dbSNP rs1555142833, ClinGen allele CA382523795.
Genomic context (GRCh38, chr11:108,353,807, plus strand): 5'-ACTGTATTCTTTACTTTAGGTGTTGCTTTTGAACAGGGCAAAATCCTTCCTACTCCTGAG[A>C]CAGTTCCTTTTAGACTCACCAGAGATATTGTGGATGGCATGGGCATTACGGGTGTTGAAG-3'
Protein context (NP_000042.3, residues 2895-2915): EQGKILPTPE[Thr2905Pro]VPFRLTRDIV